The following is an entry in ClinVar:

ClinVar aggregate classification (germline): Uncertain significance (1 of 4 stars; one submission).

Allele frequency attached by ClinVar (database versions not stated): gnomAD exomes below 0.00001.
gnomAD v4.1: 2 of 1,614,034 alleles (0.00012%); highest among the groups gnomAD compares: Admixed American, 0.0017%; no homozygotes.

Submission:

Labcorp Genetics (formerly Invitae), Labcorp
Classification: Uncertain significance. Last evaluated: 2022-06-15. Review status: criteria provided, single submitter. Criteria: Invitae Variant Classification Sherloc (09022015). Collection method: clinical testing. Allele origin: germline.
Comment: In summary, the available evidence is currently insufficient to determine the role of this variant in disease. Therefore, it has been classified as a Variant of Uncertain Significance. Algorithms developed to predict the effect of missense changes on protein structure and function (SIFT, PolyPhen-2, Align-GVGD) all suggest that this variant is likely to be tolerated. This variant has not been reported in the literature in individuals affected with SLC39A14-related conditions. This variant is present in population databases (no rsID available, gnomAD 0.003%). This sequence change replaces arginine, which is basic and polar, with glycine, which is neutral and non-polar, at codon 86 of the SLC39A14 protein (p.Arg86Gly).

NM_001128431.4(SLC39A14):c.256A>G (p.Arg86Gly)

Gene: SLC39A14 (solute carrier family 39 member 14; plus strand). Cytogenetic location: 8p21.3.
Variant type: single nucleotide variant.
Coding change: c.256A>G on transcript NM_001128431.4 (MANE Select); coding-DNA position 256, A replaced by G.
Protein change: p.Arg86Gly; replaces arginine 86 with glycine.
Molecular consequence: missense variant.
Genome position (GRCh38, 1-based): chr8:22,404,966, A>G. VCF-style: chr8-22404966-A-G. GRCh37 (hg19) VCF-style: chr8-22262479-A-G.
Other names: c.256A>G, p.Arg86Gly (NM_001135153.3, NM_001135154.3, NM_001351655.2 and 3 more transcripts); c.286A>G, p.Arg96Gly (NM_001351657.2, NM_001351658.2, NM_001351659.2); short protein forms R96G, R86G.
Identifiers: ClinVar variation 1958579 (VCV001958579.5), dbSNP rs1409913348, ClinGen allele CA370522700.
Genomic context (GRCh38, chr8:22,404,966, plus strand): 5'-CTCAACCACCTGGATGTGGGAGTGGGCCGGGGTAATGTCACCCAGCACGTGCAAGGACAC[A>G]GGAACCTCTCCACGGTAAGGCTCCCCTGTGAGCCAGCAGCTCTGCTCAGCCCCGTCTCTG-3'
Protein context (NP_001121903.1, residues 76-96): GNVTQHVQGH[Arg86Gly]NLSTCFSSGD